The following is an entry in ClinVar:

ClinVar aggregate classification (germline): Uncertain significance. Review status: criteria provided, multiple submitters, no conflicts (2 of 4 stars). 4 submissions from 4 submitters: Uncertain significance (4). Last evaluated 2025-04-29.

Conditions:
Inborn genetic diseases. Identifiers: MedGen C0950123, MeSH D030342.
Idiopathic generalized epilepsy. Also called: Generalised epilepsy; EIG. Identifiers: MedGen C0270850, MONDO:0005579, OMIM 600669.
Hyperaldosteronism, familial, type IV (HALD4). Also called: FH IV; ALDOSTERONISM, PRIMARY, AND HYPERTENSION. Identifiers: Orphanet 642671, MedGen C4310756, MONDO:0014875, OMIM 617027.

Allele frequency attached by ClinVar (database versions not stated): gnomAD 0.00004 and 0.00005; gnomAD exomes 0.00005 and 0.00008; TOPMed 0.00005; ExAC 0.00006; ESP Exome Variant Server 0.00016.
gnomAD v4.1: 125 of 1,608,604 alleles (0.0078%); highest among the groups gnomAD compares: Middle Eastern, 0.037%; no homozygotes.

Submissions (4):

Labcorp Genetics (formerly Invitae), Labcorp
Classification: Uncertain significance for Idiopathic generalized epilepsy; Hyperaldosteronism, familial, type IV. Last evaluated: 2025-04-29. Review status: criteria provided, single submitter. Criteria: Invitae Variant Classification Sherloc (09022015). Collection method: clinical testing. Allele origin: germline.
Comment: This sequence change replaces arginine, which is basic and polar, with glutamine, which is neutral and polar, at codon 1579 of the CACNA1H protein (p.Arg1579Gln). This variant is present in population databases (rs367947771, gnomAD 0.03%). This variant has not been reported in the literature in individuals affected with CACNA1H-related conditions. ClinVar contains an entry for this variant (Variation ID: 853002). Invitae Evidence Modeling of protein sequence and biophysical properties (such as structural, functional, and spatial information, amino acid conservation, physicochemical variation, residue mobility, and thermodynamic stability) has been performed for this missense variant. However, the output from this modeling did not meet the statistical confidence thresholds required to predict the impact of this variant on CACNA1H protein function. In summary, the available evidence is currently insufficient to determine the role of this variant in disease. Therefore, it has been classified as a Variant of Uncertain Significance.

Ambry Genetics
Classification: Uncertain significance for Inborn genetic diseases. Last evaluated: 2024-05-13. Review status: criteria provided, single submitter. Criteria: Ambry Variant Classification Scheme 2023. Collection method: clinical testing. Allele origin: germline.

Women's Health and Genetics/Laboratory Corporation of America, LabCorp
Classification: Uncertain significance. Last evaluated: 2024-04-25. Review status: criteria provided, single submitter. Criteria: LabCorp Variant Classification Summary - May 2015. Collection method: clinical testing. Allele origin: germline.
Comment: Variant summary: CACNA1H c.4736G>A (p.Arg1579Gln) results in a conservative amino acid change in the encoded protein sequence. Three of five in-silico tools predict a damaging effect of the variant on protein function. The variant allele was found at a frequency of 4.5e-05 in 244164 control chromosomes. This frequency is not significantly higher than estimated for a pathogenic variant in CACNA1H causing Idiopathic Generalized Epilepsy (4.5e-05), allowing no conclusion about variant significance. To our knowledge, no occurrence of c.4736G>A in individuals affected with Idiopathic Generalized Epilepsy and no experimental evidence demonstrating its impact on protein function have been reported. ClinVar contains an entry for this variant (Variation ID: 853002). Based on the evidence outlined above, the variant was classified as uncertain significance.

Athena Diagnostics
Classification: Uncertain significance. Last evaluated: 2020-04-21. Review status: criteria provided, single submitter. Criteria: Athena Diagnostics Criteria. Collection method: clinical testing. Allele origin: unknown.

NM_021098.3(CACNA1H):c.4736G>A (p.Arg1579Gln)

Gene: CACNA1H (calcium voltage-gated channel subunit alpha1 H; plus strand). Cytogenetic location: 16p13.3.
Variant type: single nucleotide variant.
Coding change: c.4736G>A on transcript NM_021098.3 (MANE Select); coding-DNA position 4736, G replaced by A.
Protein change: p.Arg1579Gln; replaces arginine 1579 with glutamine.
Molecular consequence: missense variant.
Genome position (GRCh38, 1-based): chr16:1,212,115, G>A. VCF-style: chr16-1212115-G-A. GRCh37 (hg19) VCF-style: chr16-1262115-G-A.
Other names: c.4736G>A, p.Arg1579Gln (NM_001005407.2); short protein forms R1579Q.
Identifiers: ClinVar variation 853002 (VCV000853002.13), dbSNP rs367947771, ClinGen allele CA7801509.